The following is an entry in ClinVar:

ClinVar aggregate classification (germline): Uncertain significance (1 of 4 stars; one submission).

gnomAD v4.1: 2 of 1,613,734 alleles (0.00012%); highest among the groups gnomAD compares: South Asian, 0.0022%; no homozygotes.

Submission:

GeneDx
Classification: Uncertain significance. Last evaluated: 2023-07-25. Review status: criteria provided, single submitter. Criteria: GeneDx Variant Classification Process June 2021. Collection method: clinical testing. Allele origin: germline. Affected: yes.
Comment: Not observed at significant frequency in large population cohorts (gnomAD); In silico analysis supports that this missense variant has a deleterious effect on protein structure/function; Has not been previously published as pathogenic or benign to our knowledge

NM_001378328.1(CELSR1):c.2515C>T (p.Pro839Ser)

Gene: CELSR1 (cadherin EGF LAG seven-pass G-type receptor 1; minus strand). Cytogenetic location: 22q13.31.
Variant type: single nucleotide variant.
Coding change: c.2515C>T on transcript NM_001378328.1 (MANE Select); coding-DNA position 2515, C replaced by T.
Protein change: p.Pro839Ser; replaces proline 839 with serine.
Molecular consequence: missense variant.
Genome position (GRCh38, 1-based): chr22:46,534,656, G>A on the plus strand (C>T on the coding strand, the complement: CELSR1 is on the minus strand). VCF-style: chr22-46534656-G-A. GRCh37 (hg19) VCF-style: chr22-46930553-G-A.
Other names: c.2515C>T, p.Pro839Ser (NM_014246.4); short protein forms P839S.
Identifiers: ClinVar variation 3361248 (VCV003361248.1).